The following is an entry in ClinVar:

ClinVar aggregate classification (germline): Likely benign. Review status: criteria provided, single submitter (1 of 4 stars). 2 submissions from 2 submitters: Likely benign (1). 1 of the submissions does not count toward it. Last evaluated 2023-09-30.

Conditions:
SOX9-related disorder. Also called: SOX9-related condition.
Camptomelic dysplasia (CMPD). Also called: Campomelic Dysplasia; CMPD1/SRA1. Identifiers: Orphanet 140, MedGen C1861922, MONDO:0007251, OMIM 114290.

Allele frequency attached by ClinVar (database versions not stated): gnomAD exomes below 0.00001; TOPMed below 0.00001; gnomAD 0.00001.

Submissions (2):

Labcorp Genetics (formerly Invitae), Labcorp
Classification: Likely benign for Camptomelic dysplasia. Last evaluated: 2023-09-30. Review status: criteria provided, single submitter. Criteria: Invitae Variant Classification Sherloc (09022015). Collection method: clinical testing. Allele origin: germline.

PreventionGenetics, part of Exact Sciences
Classification: Likely benign for SOX9-related condition. Last evaluated: 2020-05-06. Review status: no assertion criteria provided. Collection method: clinical testing. Allele origin: germline. Not counted in ClinVar's aggregate classification.
Comment: This variant is classified as likely benign based on ACMG/AMP sequence variant interpretation guidelines (Richards et al. 2015 PMID: 25741868, with internal and published modifications).

NM_000346.4(SOX9):c.431+8C>T

Genes: SOX9 (SRY-box transcription factor 9; plus strand), LOC108021846 (SOX9 promoter region; plus strand). Cytogenetic location: 17q24.3.
Variant type: single nucleotide variant.
Coding change: c.431+8C>T on transcript NM_000346.4 (MANE Select); 8 bases into the intron after coding-DNA position 431, C replaced by T.
Molecular consequence: intron variant.
Genome position (GRCh38, 1-based): chr17:72,121,830, C>T. VCF-style: chr17-72121830-C-T. GRCh37 (hg19) VCF-style: chr17-70117971-C-T.
Other names: c.431+8C>T (NM_000346.3).
Identifiers: ClinVar variation 2720198 (VCV002720198.5), dbSNP rs992917814, ClinGen allele CA293781342.